The following is an entry in ClinVar:

ClinVar aggregate classification (germline): Pathogenic (1 of 4 stars; one submission).

Conditions:
FGFR2-related craniosynostosis. Identifiers: MedGen CN231480.

Submission:

Labcorp Genetics (formerly Invitae), Labcorp
Classification: Pathogenic for FGFR2-related craniosynostosis. Last evaluated: 2021-09-10. Review status: criteria provided, single submitter. Criteria: Invitae Variant Classification Sherloc (09022015). Collection method: clinical testing. Allele origin: germline.
Comment: For these reasons, this variant has been classified as Pathogenic. The frequency data for this variant in the population databases is not available, as this variant may be reported as separate entries in the ExAC database. This missense change has been observed in individual(s) with craniosynostosis (Invitae). In at least one individual the variant was observed to be de novo. This variant, C.1064_c.1075delinsTATGGTTGACGA, is a complex sequence change that results in the deletion of 4 and insertion of 4 amino acid(s) in the FGFR2 protein (p.Ala355_Val359delinsValTrpLeuThrIle). This variant disrupts the p.Val359 amino acid residue in FGFR2. Other variant(s) that disrupt this residue have been determined to be pathogenic (PMID: 8644708, 11173845; Invitae). This suggests that this residue is clinically significant, and that variants that disrupt this residue are likely to be disease-causing.

Literature cited by the submitters: PubMed 8644708; PubMed 11173845.

NM_000141.5(FGFR2):c.1064_1075delinsTATGGTTGACGA (p.Ala355_Val359delinsValTrpLeuThrIle)

Gene: FGFR2 (fibroblast growth factor receptor 2; minus strand). Cytogenetic location: 10q26.13.
Variant type: Indel.
Coding change: c.1064_1075delinsTATGGTTGACGA on transcript NM_000141.5 (MANE Select); coding-DNA positions 1064 to 1075, CATGGTTGACAG replaced by TATGGTTGACGA.
Protein change: p.Ala355_Val359delinsValTrpLeuThrIle.
Molecular consequence: missense variant. On other transcripts: non-coding transcript variant (1), intron variant (5).
Genome position (GRCh38, 1-based): chr10:121,517,328-121,517,339, CTGTCAACCATG replaced by TCGTCAACCATA on the plus strand (CATGGTTGACAG replaced by TATGGTTGACGA on the coding strand, the reverse complement: FGFR2 is on the minus strand). VCF-style: chr10-121517328-CTGTCAACCATG-TCGTCAACCATA. GRCh37 (hg19) VCF-style: chr10-123276842-CTGTCAACCATG-TCGTCAACCATA.
Other names: c.797_808delinsTATGGTTGACGA, p.Ala266_Val270delinsValTrpLeuThrIle (NM_001144915.2); c.1064_1075delinsTATGGTTGACGA, p.Ala355_Val359delinsValTrpLeuThrIle (NM_001320658.2); c.719_730delinsTATGGTTGACGA, p.Ala240_Val244delinsValTrpLeuThrIle (NM_001144916.2, NM_001144918.2); c.380_391delinsTATGGTTGACGA, p.Ala127_Val131delinsValTrpLeuThrIle (NM_001320654.2); c.797_808delCATGGTTGACAGinsTATGGTTGACGA, p.Ala266_Val270delinsValTrpLeuThrIle (NM_023029.3); c.749-2020_749-2009delinsTATGGTTGACGA (NM_001144914.1); c.939+2640_939+2651delinsTATGGTTGACGA (NM_001144917.2); c.1087+1343_1087+1354delinsTATGGTTGACGA (NM_022970.4, NM_001144913.1); and 1 more.
Identifiers: ClinVar variation 4781393 (VCV004781393.1).